The following is an entry in ClinVar:

NM_002067.5(GNA11):c.*263C>G

Gene: GNA11 (G protein subunit alpha 11; plus strand). Cytogenetic location: 19p13.3.
Variant type: single nucleotide variant.
Coding change: c.*263C>G on transcript NM_002067.5 (MANE Select); 263 bases downstream of the stop codon, C replaced by G.
Molecular consequence: 3 prime UTR variant.
Genome position (GRCh38, 1-based): chr19:3,121,442, C>G. VCF-style: chr19-3121442-C-G. GRCh37 (hg19) VCF-style: chr19-3121440-C-G.
Identifiers: ClinVar variation 1879411 (VCV001879411.29), dbSNP rs566082996, ClinGen allele CA9075146.
Genomic context (GRCh38, chr19:3,121,442, plus strand): 5'-GCGCACCTTCTCACCTTTTGTCAACGGCAAAGGCAGCCTTTTTCTGGCCTTGACTTATGG[C>G]TCGCTTTTTTCTAAAAAAAAAAAAAAAAGAAAGAAAGAAAAAAAGCAACGAAACATAAAA-3'

ClinVar aggregate classification (germline): Benign (1 of 4 stars; one submission).

Allele frequency attached by ClinVar (database versions not stated): 1000 Genomes Project 30x 0.00359; 1000 Genomes Project 0.00419; TOPMed 0.00649; gnomAD exomes 0.00699; gnomAD 0.00833.
gnomAD v4.1: 2,287 of 303,782 alleles (0.75%); highest among the groups gnomAD compares: Non-Finnish European, 1%; 32 homozygotes.

Submission:

CeGaT Center for Human Genetics Tuebingen
Classification: Benign. Last evaluated: 2023-07-01. Review status: criteria provided, single submitter. Criteria: CeGaT Center For Human Genetics Tuebingen Variant Classification Criteria Version 2. Collection method: clinical testing. Allele origin: germline. Affected: yes. Observed: 7 variant alleles.
Comment: GNA11: BS1, BS2